The following is an entry in ClinVar:

NM_207118.3(GTF2H5):c.155T>C (p.Val52Ala)

Gene: GTF2H5 (general transcription factor IIH subunit 5; plus strand). Cytogenetic location: 6q25.3.
Variant type: single nucleotide variant.
Coding change: c.155T>C on transcript NM_207118.3 (MANE Select); coding-DNA position 155, T replaced by C.
Protein change: p.Val52Ala; replaces valine 52 with alanine.
Molecular consequence: missense variant.
Genome position (GRCh38, 1-based): chr6:158,192,096, T>C. VCF-style: chr6-158192096-T-C. GRCh37 (hg19) VCF-style: chr6-158613128-T-C.
Other names: short protein forms V52A.
Identifiers: ClinVar variation 1968310 (VCV001968310.2), dbSNP rs2483696731, ClinGen allele CA366253579.

ClinVar aggregate classification (germline): Uncertain significance (1 of 4 stars; one submission).

Allele frequency attached by ClinVar (database versions not stated): gnomAD exomes below 0.00001.
gnomAD v4.1: 1 of 1,613,980 alleles (0.000062%); highest among the groups gnomAD compares: Non-Finnish European, 0.000085%; no homozygotes.

Submission:

Labcorp Genetics (formerly Invitae), Labcorp
Classification: Uncertain significance. Last evaluated: 2022-08-01. Review status: criteria provided, single submitter. Criteria: Invitae Variant Classification Sherloc (09022015). Collection method: clinical testing. Allele origin: germline.
Comment: This sequence change replaces valine, which is neutral and non-polar, with alanine, which is neutral and non-polar, at codon 52 of the GTF2H5 protein (p.Val52Ala). This variant is not present in population databases (gnomAD no frequency). This variant has not been reported in the literature in individuals affected with GTF2H5-related conditions. Algorithms developed to predict the effect of missense changes on protein structure and function (SIFT, PolyPhen-2, Align-GVGD) all suggest that this variant is likely to be tolerated. In summary, the available evidence is currently insufficient to determine the role of this variant in disease. Therefore, it has been classified as a Variant of Uncertain Significance.